The following is an entry in ClinVar:

NM_000535.7(PMS2):c.2509A>C (p.Met837Leu)

Gene: PMS2 (PMS1 homolog 2, mismatch repair system component; minus strand). Cytogenetic location: 7p22.1.
Variant type: single nucleotide variant.
Coding change: c.2509A>C on transcript NM_000535.7 (MANE Select); coding-DNA position 2509, A replaced by C.
Protein change: p.Met837Leu; replaces methionine 837 with leucine.
Molecular consequence: missense variant. On other transcripts: non-coding transcript variant (1).
Genome position (GRCh38, 1-based): chr7:5,973,479, T>G on the plus strand (A>C on the coding strand, the complement: PMS2 is on the minus strand). VCF-style: chr7-5973479-T-G. GRCh37 (hg19) VCF-style: chr7-6013110-T-G.
Other names: c.2542A>C, p.Met848Leu (NM_001322014.2); c.2200A>C, p.Met734Leu (NM_001322015.2, NM_001406877.1, NM_001406878.1 and 4 more transcripts); c.2695A>C, p.Met899Leu (NM_001406866.1); c.2533A>C, p.Met845Leu (NM_001406868.1); c.2386A>C, p.Met796Leu (NM_001406870.1); c.2365A>C, p.Met789Leu (NM_001406871.1); c.2341A>C, p.Met781Leu (NM_001406872.1, NM_001406874.1); c.2401A>C, p.Met801Leu (NM_001406869.1); and 20 more; short protein forms M580L, M650L, M771L, M801L, M848L, M899L, M436L, M715L.
Identifiers: ClinVar variation 2451603 (VCV002451603.2), dbSNP rs1583269633, ClinGen allele CA366734907.

ClinVar aggregate classification (germline): Uncertain significance (1 of 4 stars; one submission).

Conditions:
Hereditary cancer-predisposing syndrome. Also called: Neoplastic Syndromes, Hereditary; Tumor predisposition; Hereditary neoplastic syndrome; Hereditary Cancer Syndrome. Identifiers: Orphanet 140162, MedGen C0027672, MeSH D009386, MONDO:0015356.

Submission:

Ambry Genetics
Classification: Uncertain significance for Hereditary cancer-predisposing syndrome. Last evaluated: 2023-01-11. Review status: criteria provided, single submitter. Criteria: Ambry Variant Classification Scheme 2023. Collection method: clinical testing. Allele origin: germline.
Comment: The p.M837L variant (also known as c.2509A>C), located in coding exon 15 of the PMS2 gene, results from an A to C substitution at nucleotide position 2509. The methionine at codon 837 is replaced by leucine, an amino acid with highly similar properties. This amino acid position is conserved. In addition, this alteration is predicted to be tolerated by in silico analysis. Since supporting evidence is limited at this time, the clinical significance of this alteration remains unclear.